The following is an entry in ClinVar:

NM_022124.6(CDH23):c.2368A>G (p.Met790Val)

Gene: CDH23 (cadherin related 23; plus strand). Cytogenetic location: 10q22.1.
Variant type: single nucleotide variant.
Coding change: c.2368A>G on transcript NM_022124.6 (MANE Select); coding-DNA position 2368, A replaced by G.
Protein change: p.Met790Val; replaces methionine 790 with valine.
Molecular consequence: missense variant.
Genome position (GRCh38, 1-based): chr10:71,695,496, A>G. VCF-style: chr10-71695496-A-G. GRCh37 (hg19) VCF-style: chr10-73455253-A-G.
Other names: c.2368A>G, p.Met790Val (NM_001171930.2, NM_001171931.2); c.2368A>G (NM_022124.5); short protein forms M790V.
Identifiers: ClinVar variation 1054817 (VCV001054817.8), dbSNP rs187827251, ClinGen allele CA5544189.
Genomic context (GRCh38, chr10:71,695,496, plus strand): 5'-GACATCAATGACAACCACCCCACGTGGAAGGACGCACCCTACTACATCAACCTGGTGGAG[A>G]TGACCCCTCCAGACTCTGATGTGACCACGGTAGGTGGTGGCAGAGCAGCAGAACTGCCAG-3'
Protein context (NP_071407.4, residues 780-800): DAPYYINLVE[Met790Val]TPPDSDVTTV

ClinVar aggregate classification (germline): Conflicting classifications of pathogenicity. Review status: criteria provided, conflicting classifications (1 of 4 stars). 4 submissions from 4 submitters: Uncertain significance (2); Likely benign (1). 1 of the submissions does not count toward it. Last evaluated 2025-04-14.

Conditions:
CDH23-related disorder. Also called: CDH23-related disorders; CDH23-related condition.
Usher syndrome type 1 (USH1). Also called: RETINITIS PIGMENTOSA AND CONGENITAL DEAFNESS. Identifiers: Orphanet 231169, Orphanet 886, MedGen C1568247, MONDO:0010168, OMIM 276900.

Allele frequency attached by ClinVar (database versions not stated): gnomAD exomes 0.00002 and 0.00008; TOPMed 0.00003; gnomAD 0.00004 and 0.00005; ExAC 0.00007; ESP Exome Variant Server 0.00008; 1000 Genomes Project 30x 0.00016; 1000 Genomes Project 0.00020.
gnomAD v4.1: 36 of 1,613,436 alleles (0.0022%); highest among the groups gnomAD compares: East Asian, 0.065%; no homozygotes.

Submissions (4):

PreventionGenetics, part of Exact Sciences
Classification: Uncertain significance for CDH23-related condition. Last evaluated: 2025-04-14. Review status: criteria provided, single submitter. Criteria: ACMG Guidelines, 2015. Collection method: clinical testing. Allele origin: germline.
Comment: The CDH23 c.2368A>G variant is predicted to result in the amino acid substitution p.Met790Val. To our knowledge, this variant has not been reported in the literature. This variant is reported in 0.12% of alleles in individuals of East Asian descent in gnomAD. Although we suspect that this variant may be benign, at this time, the clinical significance of this variant is uncertain due to the absence of conclusive functional and genetic evidence.

Labcorp Genetics (formerly Invitae), Labcorp
Classification: Likely benign. Last evaluated: 2024-03-17. Review status: criteria provided, single submitter. Criteria: Invitae Variant Classification Sherloc (09022015). Collection method: clinical testing. Allele origin: germline.

Blueprint Genetics
Classification: Uncertain significance. Last evaluated: 2022-09-20. Review status: criteria provided, single submitter. Criteria: ACMG Guidelines, 2015. Collection method: clinical testing. Allele origin: germline.

Natera, Inc.
Classification: Uncertain significance for Usher syndrome type 1. Last evaluated: 2020-02-15. Review status: no assertion criteria provided. Collection method: clinical testing. Allele origin: germline. Not counted in ClinVar's aggregate classification.